The following is an entry in ClinVar:

NM_001330700.2(TOP2B):c.187C>T (p.His63Tyr)

Gene: TOP2B (DNA topoisomerase II beta; minus strand). Cytogenetic location: 3p24.2.
Variant type: single nucleotide variant.
Coding change: c.187C>T on transcript NM_001330700.2 (MANE Select); coding-DNA position 187, C replaced by T.
Protein change: p.His63Tyr; replaces histidine 63 with tyrosine.
Molecular consequence: missense variant.
Genome position (GRCh38, 1-based): chr3:25,645,353, G>A on the plus strand (C>T on the coding strand, the complement: TOP2B is on the minus strand). VCF-style: chr3-25645353-G-A. GRCh37 (hg19) VCF-style: chr3-25686844-G-A.
Other names: c.172C>T, p.His58Tyr (NM_001068.3); short protein forms H58Y, H63Y.
Identifiers: ClinVar variation 265791 (VCV000265791.5), dbSNP rs886039770, ClinGen allele CA10588830.
Genomic context (GRCh38, chr3:25,645,353, plus strand): 5'-TAATTACCTGCGTCAATGGCTCCACTGACCCAATATATGTATCAGGACGAAGAAGAATGT[G>A]TTCAAGTTGTGTCTTCTTCTGATACACTCTCTCAACAGACAACTTCTTTGAAGAATCATT-3'
Protein context (NP_001317629.1, residues 53-73): RVYQKKTQLE[His63Tyr]ILLRPDTYIG

ClinVar aggregate classification (germline): Conflicting classifications of pathogenicity. Review status: criteria provided, conflicting classifications (1 of 4 stars). 3 submissions from 3 submitters: Pathogenic (1); Uncertain significance (1). 1 of the submissions does not count toward it. Last evaluated 2024-11-17.

Conditions:
Autism spectrum disorder. Also called: Autism spectrum disorders. Identifiers: MedGen C1510586, MeSH D000067877, MONDO:0005258.

Submissions (3):

Labcorp Genetics (formerly Invitae), Labcorp
Classification: Pathogenic. Last evaluated: 2024-11-17. Review status: criteria provided, single submitter. Criteria: Invitae Variant Classification Sherloc (09022015). Collection method: clinical testing. Allele origin: germline.
Comment: This sequence change replaces histidine, which is basic and polar, with tyrosine, which is neutral and polar, at codon 58 of the TOP2B protein (p.His58Tyr). This variant is not present in population databases (gnomAD no frequency). This missense change has been observed in individual(s) with global developmental delay and intellectual disability (PMID: 28343847, 33644862). In at least one individual the variant was observed to be de novo. This variant is also known as c.187C>T (p.His63Tyr). ClinVar contains an entry for this variant (Variation ID: 265791). An algorithm developed to predict the effect of missense changes on protein structure and function (PolyPhen-2) suggests that this variant is likely to be disruptive. Experimental studies have shown that this missense change affects TOP2B function (PMID: 36450898). For these reasons, this variant has been classified as Pathogenic.

Blueprint Genetics
Classification: Uncertain significance. Last evaluated: 2019-07-13. Review status: criteria provided, single submitter. Criteria: ACMG Guidelines, 2015. Collection method: clinical testing. Allele origin: germline.

Clinics for Rare Diseases Referral (Hong Kong), The University of Hong Kong
Classification: Likely pathogenic for Autism, susceptiblity to. Last evaluated: 2016-10-11. Review status: no assertion criteria provided. Collection method: clinical testing. Allele origin: de novo. Affected: yes. Observed: 1 variant allele, 1 heterozygote. Study: Undiagnosed Diseases Program. Not counted in ClinVar's aggregate classification.

Literature cited by the submitters: PubMed 28343847 (cited by Labcorp Genetics (formerly Invitae), Labcorp); PubMed 33644862 (cited by Labcorp Genetics (formerly Invitae), Labcorp); PubMed 36450898 (cited by Labcorp Genetics (formerly Invitae), Labcorp).